The following is an entry in ClinVar:

ClinVar aggregate classification (germline): Conflicting classifications of pathogenicity. Review status: criteria provided, conflicting classifications (1 of 4 stars). 7 submissions from 7 submitters: Uncertain significance (4); Likely benign (2). 1 of the submissions does not count toward it. Last evaluated 2026-01-13.

Conditions:
Tuberous sclerosis 1 (TSC1). Identifiers: Orphanet 805, MedGen C1854465, MONDO:0008612, OMIM 191100.
Tuberous sclerosis syndrome (TSC). Also called: Tuberous Sclerosis Complex; Tuberous sclerosis. Identifiers: Orphanet 805, MedGen C0041341, MONDO:0001734.
TSC1-related disorder. Also called: TSC1-related condition.
Hereditary cancer-predisposing syndrome. Also called: Hereditary neoplastic syndrome; Neoplastic Syndromes, Hereditary; Tumor predisposition; Hereditary Cancer Syndrome. Identifiers: Orphanet 140162, MedGen C0027672, MeSH D009386, MONDO:0015356.

Allele frequency attached by ClinVar (database versions not stated): gnomAD exomes below 0.00001; ExAC 0.00001.
gnomAD v4.1: 3 of 1,613,618 alleles (0.00019%); highest among the groups gnomAD compares: Non-Finnish European, 0.000085%; no homozygotes.

Submissions (7):

Labcorp Genetics (formerly Invitae), Labcorp
Classification: Likely benign for Tuberous sclerosis 1. Last evaluated: 2026-01-13. Review status: criteria provided, single submitter. Criteria: Invitae Variant Classification Sherloc (09022015). Collection method: clinical testing. Allele origin: germline.

Quest Diagnostics Nichols Institute San Juan Capistrano
Classification: Uncertain significance. Last evaluated: 2025-02-06. Review status: criteria provided, single submitter. Criteria: Quest Diagnostics criteria. Collection method: clinical testing. Allele origin: unknown.

All of Us Research Program, National Institutes of Health
Classification: Uncertain significance for Tuberous sclerosis syndrome. Last evaluated: 2024-07-29. Review status: criteria provided, single submitter. Criteria: ACMG Guidelines, 2015. Collection method: clinical testing. Allele origin: germline. Inheritance: Autosomal dominant inheritance. Observed: 1 variant allele, 1 heterozygote.
Comment: This missense variant replaces tyrosine with cysteine at codon 704 of the TSC1 protein. Computational prediction suggests that this variant may have deleterious impact on protein structure and function. To our knowledge, functional studies have not been reported for this variant. This variant has not been reported in individuals affected with TSC1-related disorders in the literature. This variant has been identified in 1/251306 chromosomes in the general population by the Genome Aggregation Database (gnomAD). The available evidence is insufficient to determine the role of this variant in disease conclusively. Therefore, this variant is classified as a Variant of Uncertain Significance.

This study involves interpretation of variants in research participants for the purpose of population health screening. Participant phenotype was not available at the time of variant classification. Additional details can be found in publication PMID: 35346344, PMCID: PMC8962531

Ambry Genetics
Classification: Uncertain significance for Hereditary cancer-predisposing syndrome. Last evaluated: 2024-07-18. Review status: criteria provided, single submitter. Criteria: Ambry Variant Classification Scheme 2023. Collection method: clinical testing. Allele origin: germline.
Comment: The p.Y704C variant (also known as c.2111A>G), located in coding exon 15 of the TSC1 gene, results from an A to G substitution at nucleotide position 2111. The tyrosine at codon 704 is replaced by cysteine, an amino acid with highly dissimilar properties. This amino acid position is highly conserved in available vertebrate species. In addition, this alteration is predicted to be deleterious by in silico analysis. Based on the available evidence, the clinical significance of this variant remains unclear.

Genome-Nilou Lab
Classification: Likely benign for Tuberous sclerosis 1. Last evaluated: 2021-11-07. Review status: criteria provided, single submitter. Criteria: ACMG Guidelines, 2015. Collection method: clinical testing. Allele origin: germline. Affected: no.

Eurofins Ntd Llc (ga)
Classification: Uncertain significance. Last evaluated: 2017-04-07. Review status: criteria provided, single submitter. Criteria: EGL Classification Definitions 2015. Collection method: clinical testing. Allele origin: germline. Observed: 1 variant allele, 1 heterozygote.

PreventionGenetics, part of Exact Sciences
Classification: Uncertain significance for TSC1-related condition. Last evaluated: 2024-03-30. Review status: no assertion criteria provided. Collection method: clinical testing. Allele origin: germline. Not counted in ClinVar's aggregate classification.
Comment: The TSC1 c.2111A>G variant is predicted to result in the amino acid substitution p.Tyr704Cys. This variant has been reported in an individual with suspected Tuberous sclerosis complex (Table S1, Meng et al. 2021. PubMed ID: 32917966). This variant is reported in 0.0054% of alleles in individuals of East Asian descent in gnomAD. This variant is interpreted as uncertain or likely benign in ClinVar. At this time, the clinical significance of this variant is uncertain due to the absence of conclusive functional and genetic evidence.

NM_000368.5(TSC1):c.2111A>G (p.Tyr704Cys)

Gene: TSC1 (TSC complex subunit 1; minus strand). Cytogenetic location: 9q34.13.
Variant type: single nucleotide variant.
Coding change: c.2111A>G on transcript NM_000368.5 (MANE Select); coding-DNA position 2111, A replaced by G.
Protein change: p.Tyr704Cys; replaces tyrosine 704 with cysteine.
Molecular consequence: missense variant.
Genome position (GRCh38, 1-based): chr9:132,903,748, T>C on the plus strand (A>G on the coding strand, the complement: TSC1 is on the minus strand). VCF-style: chr9-132903748-T-C. GRCh37 (hg19) VCF-style: chr9-135779135-T-C.
Other names: c.2108A>G, p.Tyr703Cys (NM_001162426.2); c.1958A>G, p.Tyr653Cys (NM_001162427.2); c.1748A>G, p.Tyr583Cys (NM_001362177.2); short protein forms Y704C, Y583C, Y703C, Y653C.
Identifiers: ClinVar variation 466064 (VCV000466064.23), dbSNP rs752054698, ClinGen allele CA031442.
Genomic context (GRCh38, chr9:132,903,748, plus strand): 5'-ATCACCTTGCGGAGGAGCCGCCTGTTCCGGAGGGCATGCTGCTGCCTCTTAAAACGCTCA[T>C]AGAGTAACTGGTTGTGCAGTAAAAGCAACTGGTCTCGGAGGGTGCGGATCTCATCTGAAG-3'
Protein context (NP_000359.1, residues 694-714): QLLLLHNQLL[Tyr704Cys]ERFKRQQHAL